The following is an entry in ClinVar:

ClinVar aggregate classification (germline): Benign (1 of 4 stars; one submission).

Conditions:
Maturity-onset diabetes of the young (MODY). Also called: Maturity onset diabetes mellitus in young. Identifiers: Orphanet 552, MedGen C0342276, MONDO:0018911, HP:0004904.

Allele frequency attached by ClinVar (database versions not stated): gnomAD 0.00001.
gnomAD v4.1: 15 of 672,044 alleles (0.0022%); highest among the groups gnomAD compares: South Asian, 0.0055%; no homozygotes.

Submission:

Clinical Genomics, Uppaluri K&H Personalized Medicine Clinic
Classification: Benign for Maturity-onset diabetes of the young. Review status: criteria provided, single submitter. Criteria: K & H Uppaluri Personalized Medicine Clinic Variant Classification & Assertion Criteria_Updated V.1. Collection method: research. Allele origin: unknown. Inheritance: Autosomal dominant inheritance.
Comment: Mutations in HNF1A gene can predispose to MODY3. It is associated with both micro and macrovascular complications of diabetes, especially cardiovascular complications. Associated with glucosuria. May respond well to sulfonylureas. However, more evidence is required to confer the association of this particular variant rs972789249 with MODY3.

Literature cited by the submitters: PubMed 31517624; PubMed 32395877; PubMed 35328643; PubMed 35673428.

NM_000545.8(HNF1A):c.*193C>T

Genes: C12orf43 (chromosome 12 open reading frame 43; minus strand), HNF1A (HNF1 homeobox A; plus strand). Cytogenetic location: 12q24.31.
Variant type: single nucleotide variant.
Coding change: c.*193C>T on transcript NM_000545.8 (MANE Select); 193 bases downstream of the stop codon, C replaced by T.
Molecular consequence: 3 prime UTR variant.
Genome position (GRCh38, 1-based): chr12:121,001,385, C>T. VCF-style: chr12-121001385-C-T. GRCh37 (hg19) VCF-style: chr12-121439188-C-T.
Other names: c.*2768G>A (NM_001286191.2, NM_001286196.2, NM_022895.3); c.*193C>T (NM_001306179.2, NM_001406915.1).
Identifiers: ClinVar variation 1727228 (VCV001727228.1), dbSNP rs972789249, ClinGen allele CA244513775.
Genomic context (GRCh38, chr12:121,001,385, plus strand): 5'-CTCTGCTCTGATGCATCAGAAAGGGAGGGCTCTGAGGCGCCCCAACCCGTGGAGGCTGCT[C>T]GGGGTGCACAGGAGGGGGTCGTGGAGAGCTAGGAGCAAAGCCTGTTCATGGCAGATGTAG-3'